The following is an entry in ClinVar:

NM_001939.3(DRP2):c.2114C>T (p.Thr705Met)

Gene: DRP2 (dystrophin related protein 2; plus strand). Cytogenetic location: Xq22.1.
Variant type: single nucleotide variant.
Coding change: c.2114C>T on transcript NM_001939.3 (MANE Select); coding-DNA position 2114, C replaced by T.
Protein change: p.Thr705Met; replaces threonine 705 with methionine.
Molecular consequence: missense variant.
Genome position (GRCh38, 1-based): chrX:101,254,561, C>T. VCF-style: chrX-101254561-C-T. GRCh37 (hg19) VCF-style: chrX-100509550-C-T.
Other names: c.1880C>T, p.Thr627Met (NM_001171184.2); short protein forms T627M, T705M.
Identifiers: ClinVar variation 2149809 (VCV002149809.4), dbSNP rs773231267, ClinGen allele CA10472399.
Genomic context (GRCh38, chrX:101,254,561, plus strand): 5'-AACACCCTCAGCGAGGTTATCTGCCTGTGCAATCAGTGCTGGAGGCTGACTACAGTGAGA[C>T]GTGAGTACTGGTGGCTGAGCAGGGGCTGTGGGCAGCCTCACTGAGCCCGATCGTATGCTG-3'
Protein context (NP_001930.2, residues 695-715): QSVLEADYSE[Thr705Met]PASSPMWPHA

ClinVar aggregate classification (germline): Uncertain significance (1 of 4 stars; one submission).

Allele frequency attached by ClinVar (database versions not stated): ExAC 0.00002; gnomAD 0.00005; gnomAD exomes 0.00010; TOPMed 0.00011.
gnomAD v4.1: 114 of 1,210,211 alleles (0.0094%); highest among the groups gnomAD compares: Admixed American, 0.037%; no homozygotes.

Submission:

Labcorp Genetics (formerly Invitae), Labcorp
Classification: Uncertain significance. Last evaluated: 2024-05-16. Review status: criteria provided, single submitter. Criteria: Invitae Variant Classification Sherloc (09022015). Collection method: clinical testing. Allele origin: germline.
Comment: This sequence change replaces threonine, which is neutral and polar, with methionine, which is neutral and non-polar, at codon 705 of the DRP2 protein (p.Thr705Met). This variant is present in population databases (rs773231267, gnomAD 0.03%). This variant has not been reported in the literature in individuals affected with DRP2-related conditions. ClinVar contains an entry for this variant (Variation ID: 2149809). An algorithm developed to predict the effect of missense changes on protein structure and function (PolyPhen-2) suggests that this variant is likely to be disruptive. In summary, the available evidence is currently insufficient to determine the role of this variant in disease. Therefore, it has been classified as a Variant of Uncertain Significance.